The following is an entry in ClinVar:

NM_001256447.2(BCAP31):c.469C>T (p.Leu157Phe)

Gene: BCAP31 (B cell receptor associated protein 31; minus strand). Cytogenetic location: Xq28.
Variant type: single nucleotide variant.
Coding change: c.469C>T on transcript NM_001256447.2 (MANE Select); coding-DNA position 469, C replaced by T.
Protein change: p.Leu157Phe; replaces leucine 157 with phenylalanine.
Molecular consequence: missense variant.
Genome position (GRCh38, 1-based): chrX:153,703,967, G>A on the plus strand (C>T on the coding strand, the complement: BCAP31 is on the minus strand). VCF-style: chrX-153703967-G-A. GRCh37 (hg19) VCF-style: chrX-152969422-G-A.
Other names: c.469C>T, p.Leu157Phe (NM_001139441.1, NM_005745.8); c.670C>T, p.Leu224Phe (NM_001139457.2); short protein forms L157F, L224F.
Identifiers: ClinVar variation 3364461 (VCV003364461.1).
Genomic context (GRCh38, chrX:153,703,967, plus strand): 5'-CCCACAGTGTAACACCAGGACGCCCCATGGTGGGTCGGGAAGCTGGGCTCACCTTCTTGA[G>A]CTGGTCATTCTCCTCCATGTACTTCTTGGCCGCCTCACTAGCACTCTCCGCCTGCTTTTT-3'
Protein context (NP_001243376.1, residues 147-167): AKKYMEENDQ[Leu157Phe]KKGAAVDGGK

ClinVar aggregate classification (germline): Uncertain significance (1 of 4 stars; one submission).

Submission:

GeneDx
Classification: Uncertain significance. Last evaluated: 2023-11-21. Review status: criteria provided, single submitter. Criteria: GeneDx Variant Classification Process June 2021. Collection method: clinical testing. Allele origin: germline. Affected: yes.
Comment: Not observed at significant frequency in large population cohorts (gnomAD); In silico analysis supports that this missense variant has a deleterious effect on protein structure/function; Has not been previously published as pathogenic or benign to our knowledge